The following is an entry in ClinVar:

NM_173354.5(SIK1):c.1280G>C (p.Gly427Ala)

Gene: SIK1 (salt inducible kinase 1; minus strand). Cytogenetic location: 21q22.3.
Variant type: single nucleotide variant.
Coding change: c.1280G>C on transcript NM_173354.5 (MANE Select); coding-DNA position 1280, G replaced by C.
Protein change: p.Gly427Ala; replaces glycine 427 with alanine.
Molecular consequence: missense variant.
Genome position (GRCh38, 1-based): chr21:43,419,203, C>G on the plus strand (G>C on the coding strand, the complement: SIK1 is on the minus strand). VCF-style: chr21-43419203-C-G. GRCh37 (hg19) VCF-style: chr21-44839083-C-G.
Other names: short protein forms G427A.
Identifiers: ClinVar variation 2766004 (VCV002766004.3), dbSNP rs2516965902, ClinGen allele CA410608332.

ClinVar aggregate classification (germline): Uncertain significance (1 of 4 stars; one submission).

Conditions:
Developmental and epileptic encephalopathy, 30 (DEE30). Also called: Epileptic encephalopathy, early infantile, 30. Identifiers: MedGen C4225360, MONDO:0014595, OMIM 616341.

Submission:

Labcorp Genetics (formerly Invitae), Labcorp
Classification: Uncertain significance for Developmental and epileptic encephalopathy, 30. Last evaluated: 2023-11-28. Review status: criteria provided, single submitter. Criteria: Invitae Variant Classification Sherloc (09022015). Collection method: clinical testing. Allele origin: germline.
Comment: This sequence change replaces glycine, which is neutral and non-polar, with alanine, which is neutral and non-polar, at codon 427 of the SIK1 protein (p.Gly427Ala). This variant is not present in population databases (gnomAD no frequency). This variant has not been reported in the literature in individuals affected with SIK1-related conditions. Advanced modeling of protein sequence and biophysical properties (such as structural, functional, and spatial information, amino acid conservation, physicochemical variation, residue mobility, and thermodynamic stability) performed at Invitae indicates that this missense variant is not expected to disrupt SIK1 protein function with a negative predictive value of 95%. In summary, the available evidence is currently insufficient to determine the role of this variant in disease. Therefore, it has been classified as a Variant of Uncertain Significance.